The following is an entry in ClinVar:

NM_005173.4(ATP2A3):c.1518T>C (p.Thr506=)

Gene: ATP2A3 (ATPase sarcoplasmic/endoplasmic reticulum Ca2+ transporting 3; minus strand). Cytogenetic location: 17p13.2.
Variant type: single nucleotide variant.
Coding change: c.1518T>C on transcript NM_005173.4 (MANE Select); coding-DNA position 1518, T replaced by C.
Protein change: p.Thr506=; no amino-acid change (threonine 506 retained).
Molecular consequence: synonymous variant.
Genome position (GRCh38, 1-based): chr17:3,942,633, A>G on the plus strand (T>C on the coding strand, the complement: ATP2A3 is on the minus strand). VCF-style: chr17-3942633-A-G. GRCh37 (hg19) VCF-style: chr17-3845927-A-G.
Other names: c.1518T>C, p.Thr506= (NM_174953.3, NM_174954.3, NM_174955.3 and 3 more transcripts).
Identifiers: ClinVar variation 3060087 (VCV003060087.2), dbSNP rs17846889, ClinGen allele CA8297169.

ClinVar aggregate classification (germline): Benign (0 of 4 stars; one submission).

Conditions:
ATP2A3-related disorder. Also called: ATP2A3-related condition.

Allele frequency attached by ClinVar (database versions not stated): 1000 Genomes Project 0.38478; 1000 Genomes Project 30x 0.39663; ExAC 0.41535; gnomAD exomes 0.42669; gnomAD 0.45948; TOPMed 0.47317; ESP Exome Variant Server 0.49716.
gnomAD v4.1: 692,801 of 1,612,064 alleles (43%); highest among the groups gnomAD compares: African/African-American, 56%; 154,439 homozygotes.

Submission:

PreventionGenetics, part of Exact Sciences
Classification: Benign for ATP2A3-related condition. Last evaluated: 2019-10-21. Review status: no assertion criteria provided. Collection method: clinical testing. Allele origin: germline.
Comment: This variant is classified as benign based on ACMG/AMP sequence variant interpretation guidelines (Richards et al. 2015 PMID: 25741868, with internal and published modifications).